The following is an entry in ClinVar:

ClinVar aggregate classification (germline): Uncertain significance. Review status: criteria provided, multiple submitters, no conflicts (2 of 4 stars). 4 submissions from 4 submitters: Uncertain significance (4). Last evaluated 2025-09-21.

Conditions:
Inborn genetic diseases. Identifiers: MedGen C0950123, MeSH D030342.
Charcot-Marie-Tooth disease type 4. Also called: Charcot-Marie-Tooth disease, type IV; Charcot-Marie-Tooth, Type 4. Identifiers: Orphanet 64749, MedGen C4082197, MONDO:0018995.

Allele frequency attached by ClinVar (database versions not stated): gnomAD exomes 0.00001 and 0.00006; ExAC 0.00007; TOPMed 0.00013; gnomAD 0.00015; ESP Exome Variant Server 0.00031; 1000 Genomes Project 0.00040; 1000 Genomes Project 30x 0.00062.
gnomAD v4.1: 51 of 1,614,178 alleles (0.0032%); highest among the groups gnomAD compares: African/African-American, 0.043%; no homozygotes.

Submissions (4):

Labcorp Genetics (formerly Invitae), Labcorp
Classification: Uncertain significance for Charcot-Marie-Tooth disease type 4. Last evaluated: 2025-09-21. Review status: criteria provided, single submitter. Criteria: Invitae Variant Classification Sherloc (09022015). Collection method: clinical testing. Allele origin: germline.
Comment: This sequence change replaces leucine, which is neutral and non-polar, with valine, which is neutral and non-polar, at codon 684 of the SBF2 protein (p.Leu684Val). This variant is present in population databases (rs146987383, gnomAD 0.05%). This variant has not been reported in the literature in individuals affected with SBF2-related conditions. ClinVar contains an entry for this variant (Variation ID: 543309). Invitae Evidence Modeling of protein sequence and biophysical properties (such as structural, functional, and spatial information, amino acid conservation, physicochemical variation, residue mobility, and thermodynamic stability) indicates that this missense variant is expected to disrupt SBF2 protein function with a positive predictive value of 80%. In summary, the available evidence is currently insufficient to determine the role of this variant in disease. Therefore, it has been classified as a Variant of Uncertain Significance.

Ambry Genetics
Classification: Uncertain significance for Inborn genetic diseases. Last evaluated: 2025-06-10. Review status: criteria provided, single submitter. Criteria: Ambry Variant Classification Scheme 2023. Collection method: clinical testing. Allele origin: germline.

Mayo Clinic Laboratories, Mayo Clinic
Classification: Uncertain significance. Last evaluated: 2021-09-13. Review status: criteria provided, single submitter. Criteria: ACMG Guidelines, 2015. Collection method: clinical testing. Allele origin: germline.

Genetic Services Laboratory, University of Chicago
Classification: Uncertain significance. Last evaluated: 2019-01-03. Review status: criteria provided, single submitter. Criteria: ACMG Guidelines, 2015. Collection method: clinical testing. Allele origin: germline. Affected: no.

NM_030962.4(SBF2):c.2050C>G (p.Leu684Val)

Genes: SBF2 (SET binding factor 2; minus strand), LOC101928008 (uncharacterized LOC101928008; plus strand). Cytogenetic location: 11p15.4.
Variant type: single nucleotide variant.
Coding change: c.2050C>G on transcript NM_030962.4 (MANE Select); coding-DNA position 2050, C replaced by G.
Protein change: p.Leu684Val; replaces leucine 684 with valine.
Molecular consequence: missense variant.
Genome position (GRCh38, 1-based): chr11:9,858,276, G>C on the plus strand (C>G on the coding strand, the complement: SBF2 is on the minus strand). VCF-style: chr11-9858276-G-C. GRCh37 (hg19) VCF-style: chr11-9879823-G-C.
Other names: p.Leu684Val; c.2050C>G, p.Leu684Val (NM_001386339.1); c.1921C>G, p.Leu641Val (NM_001386342.1); short protein forms L684V, L641V.
Identifiers: ClinVar variation 543309 (VCV000543309.18), dbSNP rs146987383, ClinGen allele CA5881658.